The following is an entry in ClinVar:

ClinVar aggregate classification (germline): Likely pathogenic (1 of 4 stars; one submission).

Conditions:
ADNP-related multiple congenital anomalies - intellectual disability - autism spectrum disorder. Also called: Helsmoortel-Van der Aa Syndrome; ADNP-Related Helsmoortel-Van der Aa Syndrome. Identifiers: Orphanet 404448, MedGen C4014538, MONDO:0014379, OMIM 615873. Disease mechanism: loss of function.

Submission:

Genetics Laboratory, UDIAT-Centre Diagnòstic, Hospital Universitari Parc Tauli
Classification: Likely pathogenic for ADNP-related multiple congenital anomalies - intellectual disability - autism spectrum disorder. Last evaluated: 2022-10-04. Review status: criteria provided, single submitter. Criteria: Parc Tauli Hospital Assertion Criteria 2021. Collection method: clinical testing. Allele origin: de novo. Inheritance: Autosomal dominant inheritance. Affected: yes.
Comment: PVS1_strong;PM6;PM2_supporting;PP5

NM_001282531.3(ADNP):c.2193_2197delinsA (p.Leu732fs)

Gene: ADNP (activity dependent neuroprotector homeobox; minus strand). Cytogenetic location: 20q13.13.
Variant type: Indel.
Coding change: c.2193_2197delinsA on transcript NM_001282531.3 (MANE Select); coding-DNA positions 2193 to 2197, GTTAG replaced by A.
Protein change: p.Leu732fs; shifts the reading frame from leucine 732.
Molecular consequence: frameshift variant.
Genome position (GRCh38, 1-based): chr20:50,892,517-50,892,521, CTAAC replaced by T on the plus strand (GTTAG replaced by A on the coding strand, the reverse complement: ADNP is on the minus strand). VCF-style: chr20-50892517-CTAAC-T. GRCh37 (hg19) VCF-style: chr20-49509054-CTAAC-T.
Other names: c.2193_2197delinsA, p.Leu732fs (NM_001282532.2, NM_001347511.2, NM_015339.5 and 1 more transcripts); short protein forms L732fs.
Identifiers: ClinVar variation 1708235 (VCV001708235.2), dbSNP rs2515579984, ClinGen allele CA2580098313.